The following is an entry in ClinVar:

NM_022089.4(ATP13A2):c.106-14C>T

Gene: ATP13A2 (ATPase cation transporting 13A2; minus strand). Cytogenetic location: 1p36.13.
Variant type: single nucleotide variant.
Coding change: c.106-14C>T on transcript NM_022089.4 (MANE Select); 14 bases into the intron before coding-DNA position 106, C replaced by T.
Molecular consequence: intron variant.
Genome position (GRCh38, 1-based): chr1:17,005,570, G>A on the plus strand (C>T on the coding strand, the complement: ATP13A2 is on the minus strand). VCF-style: chr1-17005570-G-A. GRCh37 (hg19) VCF-style: chr1-17332065-G-A.
Other names: c.106-14C>T (NM_001141974.3, NM_001141973.3).
Identifiers: ClinVar variation 293804 (VCV000293804.12), dbSNP rs199706883, ClinGen allele CA637759.

ClinVar aggregate classification (germline): Benign. Review status: criteria provided, multiple submitters, no conflicts (2 of 4 stars). 2 submissions from 2 submitters: Benign (2). Last evaluated 2026-01-31.

Conditions:
Autosomal recessive spastic paraplegia type 78. Identifiers: Orphanet 513436, MedGen C5567893, MONDO:0014975, OMIM 617225.
Kufor-Rakeb syndrome (KRS). Also called: PARKINSON DISEASE 9, AUTOSOMAL RECESSIVE, JUVENILE-ONSET. Identifiers: Orphanet 306674, Orphanet 314632, MedGen C1847640, MONDO:0011706, OMIM 606693.

Allele frequency attached by ClinVar (database versions not stated): ESP Exome Variant Server 0.00008; 1000 Genomes Project 30x 0.00031; 1000 Genomes Project 0.00040; gnomAD 0.00052 and 0.00054; TOPMed 0.00150; ExAC 0.00224.
gnomAD v4.1: 903 of 1,614,214 alleles (0.056%); highest among the groups gnomAD compares: Admixed American, 1.4%; 18 homozygotes.

Submissions (2):

Labcorp Genetics (formerly Invitae), Labcorp
Classification: Benign for Kufor-Rakeb syndrome; Autosomal recessive spastic paraplegia type 78. Last evaluated: 2026-01-31. Review status: criteria provided, single submitter. Criteria: Invitae Variant Classification Sherloc (09022015). Collection method: clinical testing. Allele origin: germline.

Illumina Laboratory Services, Illumina
Classification: Benign for Kufor-Rakeb syndrome. Last evaluated: 2018-01-13. Review status: criteria provided, single submitter. Criteria: ICSL Variant Classification Criteria 13 December 2019. Collection method: clinical testing. Allele origin: germline.
Comment: This variant was observed in the ICSL laboratory as part of a predisposition screen in an ostensibly healthy population. It had not been previously curated by ICSL or reported in the Human Gene Mutation Database (HGMD: prior to June 1st, 2018), and was therefore a candidate for classification through an automated scoring system. Utilizing variant allele frequency, disease prevalence and penetrance estimates, and inheritance mode, an automated score was calculated to assess if this variant is too frequent to cause the disease. Based on the score and internal cut-off values, a variant classified as benign is not then subjected to further curation. The score for this variant resulted in a classification of benign for this disease.